The following is an entry in ClinVar:

NM_000268.4(NF2):c.256G>A (p.Val86Ile)

Gene: NF2 (NF2, moesin-ezrin-radixin like (MERLIN) tumor suppressor; plus strand). Cytogenetic location: 22q12.2.
Variant type: single nucleotide variant.
Coding change: c.256G>A on transcript NM_000268.4 (MANE Select); coding-DNA position 256, G replaced by A.
Protein change: p.Val86Ile; replaces valine 86 with isoleucine.
Molecular consequence: missense variant. On other transcripts: 5 prime UTR variant (1), intron variant (8).
Genome position (GRCh38, 1-based): chr22:29,639,105, G>A. VCF-style: chr22-29639105-G-A. GRCh37 (hg19) VCF-style: chr22-30035094-G-A.
Other names: c.142G>A, p.Val48Ile (NM_001407053.1, NM_001407056.1); c.130G>A, p.Val44Ile (NM_001407055.1, NM_181828.3); c.256G>A, p.Val86Ile (NM_001407057.1, NM_001407059.1, NM_001407060.1 and 5 more transcripts); c.-385G>A (NM_001407065.1); c.25G>A, p.Val9Ile (NM_001407067.1); c.240+2229G>A (NM_001407058.1, NM_181829.3, NM_001407054.1 and 1 more transcripts); c.115-3097G>A (NM_001407063.1, NM_181830.3, NM_001407064.1 and 1 more transcripts); short protein forms V44I, V48I, V86I, V9I.
Identifiers: ClinVar variation 3372887 (VCV003372887.2).
Genomic context (GRCh38, chr22:29,639,105, plus strand): 5'-AAGTGCCAATATAGTGTGTTTGTCTTTTGCTCTGCAATTCTGCAGGTACTGGATCATGAT[G>A]TTTCAAAGGAAGAACCAGTCACCTTTCACTTCTTGGCCAAATTTTATCCTGAGAATGCTG-3'
Protein context (NP_000259.1, residues 76-96): KMDKKVLDHD[Val86Ile]SKEEPVTFHF

ClinVar aggregate classification (germline): Uncertain significance. Review status: criteria provided, multiple submitters, no conflicts (2 of 4 stars). 2 submissions from 2 submitters: Uncertain significance (2). Last evaluated 2026-07-06.

Conditions:
Hereditary cancer-predisposing syndrome. Also called: Tumor predisposition; Hereditary Cancer Syndrome; Hereditary neoplastic syndrome; Neoplastic Syndromes, Hereditary. Identifiers: Orphanet 140162, MedGen C0027672, MeSH D009386, MONDO:0015356.

gnomAD v4.1: 1 of 1,614,120 alleles (0.000062%); highest among the groups gnomAD compares: African/African-American, 0.0013%; no homozygotes.

Submissions (2):

Ambry Genetics
Classification: Uncertain significance for Hereditary cancer-predisposing syndrome. Last evaluated: 2026-07-06. Review status: criteria provided, single submitter. Criteria: Ambry Variant Classification Scheme 2023. Collection method: clinical testing. Allele origin: germline.
Comment: The p.V86I variant (also known as c.256G>A), located in coding exon 3 of the NF2 gene, results from a G to A substitution at nucleotide position 256. The valine at codon 86 is replaced by isoleucine, an amino acid with highly similar properties. This amino acid position is conserved. In addition, this alteration is predicted to be tolerated by in silico analysis. Based on the available evidence, the clinical significance of this variant remains unclear.

GeneDx
Classification: Uncertain significance. Last evaluated: 2024-04-23. Review status: criteria provided, single submitter. Criteria: GeneDx Variant Classification Process June 2021. Collection method: clinical testing. Allele origin: germline. Affected: yes.
Comment: In silico analysis indicates that this missense variant does not alter protein structure/function; Has not been previously published as pathogenic or benign to our knowledge; This variant is associated with the following publications: (PMID: 11756419, 16324214)